The following is an entry in ClinVar:

NM_003041.4(SLC5A2):c.484G>A (p.Gly162Arg)

Gene: SLC5A2 (solute carrier family 5 member 2; plus strand). Cytogenetic location: 16p11.2.
Variant type: single nucleotide variant.
Coding change: c.484G>A on transcript NM_003041.4 (MANE Select); coding-DNA position 484, G replaced by A.
Protein change: p.Gly162Arg; replaces glycine 162 with arginine.
Molecular consequence: missense variant. On other transcripts: non-coding transcript variant (1).
Genome position (GRCh38, 1-based): chr16:31,486,185, G>A. VCF-style: chr16-31486185-G-A. GRCh37 (hg19) VCF-style: chr16-31497506-G-A.
Other names: short protein forms G162R.
Identifiers: ClinVar variation 3236083 (VCV003236083.3), dbSNP rs767198666, ClinGen allele CA8030765.

ClinVar aggregate classification (germline): Conflicting classifications of pathogenicity. Review status: criteria provided, conflicting classifications (1 of 4 stars). 3 submissions from 3 submitters: Likely pathogenic (1); Uncertain significance (2). Last evaluated 2024-06-04.

Conditions:
Familial renal glucosuria (GLYS). Also called: Familial renal glycosuria; RENAL GLUCOSURIA, AUTOSOMAL DOMINANT. Identifiers: Orphanet 69076, MedGen C3245525, MONDO:0009297, OMIM 233100.

Allele frequency attached by ClinVar (database versions not stated): gnomAD 0.00001; gnomAD exomes 0.00001; ExAC 0.00002; TOPMed 0.00002.

Submissions (3):

Fulgent Genetics
Classification: Uncertain significance for Familial renal glucosuria. Last evaluated: 2024-06-04. Review status: criteria provided, single submitter. Criteria: ACMG Guidelines, 2015. Collection method: clinical testing. Allele origin: germline.

MVZ Medizinische Genetik Mainz
Classification: Likely pathogenic for Familial renal glucosuria. Last evaluated: 2024-01-09. Review status: criteria provided, single submitter. Criteria: UK Practice Guidelines For Variant Classification V4 01 2020. Collection method: clinical testing. Allele origin: germline. Inheritance: Autosomal recessive inheritance. Affected: yes. Observed: 1 variant allele.
Comment: ACMG Criteria: PP3_STR,PM2_SUP,PP4

Blueprint Genetics
Classification: Uncertain significance. Last evaluated: 2020-11-06. Review status: criteria provided, single submitter. Criteria: ACMG Guidelines, 2015. Collection method: clinical testing. Allele origin: germline.